The following is an entry in ClinVar:

NM_004174.4(SLC9A3):c.1421G>A (p.Arg474Gln)

Gene: SLC9A3 (solute carrier family 9 member A3). Cytogenetic location: 5p15.33.
Variant type: single nucleotide variant.
Coding change: c.1421G>A on transcript NM_004174.4 (MANE Select); coding-DNA position 1421, G replaced by A.
Protein change: p.Arg474Gln; replaces arginine 474 with glutamine.
Molecular consequence: missense variant.
Genome position (GRCh38, 1-based): chr5:482,093, C>T on the plus strand (G>A on the coding strand, the complement: SLC9A3 is on the minus strand). VCF-style: chr5-482093-C-T. GRCh37 (hg19) VCF-style: chr5-482208-C-T.
Other names: c.1394G>A, p.Arg465Gln (NM_001284351.3); short protein forms R465Q, R474Q.
Identifiers: ClinVar variation 998416 (VCV000998416.5), dbSNP rs13154302, ClinGen allele CA3175956.

ClinVar aggregate classification (germline): Uncertain significance. Review status: criteria provided, multiple submitters, no conflicts (2 of 4 stars). 2 submissions from 2 submitters: Uncertain significance (2). Last evaluated 2024-11-18.

Allele frequency attached by ClinVar (database versions not stated): gnomAD 0.00048 and 0.00049; gnomAD exomes 0.00050 and 0.00116; ExAC 0.00058; TOPMed 0.00064; ESP Exome Variant Server 0.00108.
gnomAD v4.1: 1,724 of 1,604,730 alleles (0.11%); highest among the groups gnomAD compares: Non-Finnish European, 0.14%; 2 homozygotes.

Submissions (2):

Blueprint Genetics
Classification: Uncertain significance. Last evaluated: 2024-11-18. Review status: criteria provided, single submitter. Criteria: ACMG Guidelines, 2015. Collection method: clinical testing. Allele origin: germline.

Labcorp Genetics (formerly Invitae), Labcorp
Classification: Uncertain significance. Last evaluated: 2022-09-13. Review status: criteria provided, single submitter. Criteria: Invitae Variant Classification Sherloc (09022015). Collection method: clinical testing. Allele origin: germline.
Comment: This sequence change replaces arginine, which is basic and polar, with glutamine, which is neutral and polar, at codon 474 of the SLC9A3 protein (p.Arg474Gln). This variant is present in population databases (rs13154302, gnomAD 0.09%), and has an allele count higher than expected for a pathogenic variant. This variant has not been reported in the literature in individuals affected with SLC9A3-related conditions. ClinVar contains an entry for this variant (Variation ID: 998416). Advanced modeling of protein sequence and biophysical properties (such as structural, functional, and spatial information, amino acid conservation, physicochemical variation, residue mobility, and thermodynamic stability) performed at Invitae indicates that this missense variant is not expected to disrupt SLC9A3 protein function. Experimental studies have shown that this missense change affects SLC9A3 function (PMID: 25715704). In summary, the available evidence is currently insufficient to determine the role of this variant in disease. Therefore, it has been classified as a Variant of Uncertain Significance.

Literature cited by the submitters: PubMed 25715704 (cited by Labcorp Genetics (formerly Invitae), Labcorp).